The following is an entry in ClinVar:

ClinVar aggregate classification (germline): Uncertain significance. Review status: criteria provided, multiple submitters, no conflicts (2 of 4 stars). 2 submissions from 2 submitters: Uncertain significance (2). Last evaluated 2023-07-12.

Conditions:
Inborn genetic diseases. Identifiers: MedGen C0950123, MeSH D030342.

Allele frequency attached by ClinVar (database versions not stated): ExAC 0.00001; gnomAD exomes 0.00002; ESP Exome Variant Server 0.00008.
gnomAD v4.1: 17 of 1,613,948 alleles (0.0011%); highest among the groups gnomAD compares: Admixed American, 0.0033%; no homozygotes.

Submissions (3):

Ambry Genetics
Classification: Uncertain significance for Inborn genetic diseases. Last evaluated: 2023-07-12. Review status: criteria provided, single submitter. Criteria: Ambry Variant Classification Scheme 2023. Collection method: clinical testing. Allele origin: germline.

Labcorp Genetics (formerly Invitae), Labcorp
Classification: Uncertain significance. Last evaluated: 2022-07-05. Review status: criteria provided, single submitter. Criteria: Invitae Variant Classification Sherloc (09022015). Collection method: clinical testing. Allele origin: germline.
Comment: This variant has not been reported in the literature in individuals affected with LRRK1-related conditions. In summary, the available evidence is currently insufficient to determine the role of this variant in disease. Therefore, it has been classified as a Variant of Uncertain Significance. Algorithms developed to predict the effect of sequence changes on RNA splicing suggest that this variant may create or strengthen a splice site. Algorithms developed to predict the effect of missense changes on protein structure and function output the following: SIFT: "Tolerated"; PolyPhen-2: "Benign"; Align-GVGD: "Class C0". The glutamine amino acid residue is found in multiple mammalian species, which suggests that this missense change does not adversely affect protein function. ClinVar contains an entry for this variant (Variation ID: 1520781). This variant is present in population databases (rs368091026, gnomAD 0.006%). This sequence change replaces arginine, which is basic and polar, with glutamine, which is neutral and polar, at codon 215 of the LRRK1 protein (p.Arg215Gln).

Dr. Peter K. Rogan Lab, Western University
No classification provided (evidence only). Condition: Pancreatic adenocarcinoma. Review status: no classification provided. Collection method: in vitro. Allele origin: not applicable. Functional consequence: retained intron. Not counted in ClinVar's aggregate classification.

NM_024652.6(LRRK1):c.644G>A (p.Arg215Gln)

Gene: LRRK1 (leucine rich repeat kinase 1; plus strand). Cytogenetic location: 15q26.3.
Variant type: single nucleotide variant.
Coding change: c.644G>A on transcript NM_024652.6 (MANE Select); coding-DNA position 644, G replaced by A.
Protein change: p.Arg215Gln; replaces arginine 215 with glutamine.
Molecular consequence: missense variant.
Genome position (GRCh38, 1-based): chr15:100,989,280, G>A. VCF-style: chr15-100989280-G-A. GRCh37 (hg19) VCF-style: chr15-101529485-G-A.
Other names: c.644G>A (NM_024652.3); short protein forms R215Q.
Identifiers: ClinVar variation 1520781 (VCV001520781.8), dbSNP rs368091026, ClinGen allele CA7760667.